The following is an entry in ClinVar:

NM_001135649.3(FOXI3):c.800C>G (p.Ser267Cys)

Gene: FOXI3 (forkhead box I3; minus strand). Cytogenetic location: 2p11.2.
Variant type: single nucleotide variant.
Coding change: c.800C>G on transcript NM_001135649.3 (MANE Select); coding-DNA position 800, C replaced by G.
Protein change: p.Ser267Cys; replaces serine 267 with cysteine.
Molecular consequence: missense variant.
Genome position (GRCh38, 1-based): chr2:88,448,670, G>C on the plus strand (C>G on the coding strand, the complement: FOXI3 is on the minus strand). VCF-style: chr2-88448670-G-C. GRCh37 (hg19) VCF-style: chr2-88748189-G-C.
Other names: short protein forms S267C.
Identifiers: ClinVar variation 1523918 (VCV001523918.6), dbSNP rs1351074393, ClinGen allele CA347765252.

ClinVar aggregate classification (germline): Uncertain significance (1 of 4 stars; one submission).

Allele frequency attached by ClinVar (database versions not stated): gnomAD exomes 0.00001 and 0.00007; gnomAD 0.00003 and 0.00004; TOPMed 0.00003.
gnomAD v4.1: 97 of 1,551,712 alleles (0.0063%); highest among the groups gnomAD compares: Non-Finnish European, 0.0081%; no homozygotes.

Submission:

Labcorp Genetics (formerly Invitae), Labcorp
Classification: Uncertain significance. Last evaluated: 2025-12-15. Review status: criteria provided, single submitter. Criteria: Invitae Variant Classification Sherloc (09022015). Collection method: clinical testing. Allele origin: germline.
Comment: This sequence change replaces serine, which is neutral and polar, with cysteine, which is neutral and slightly polar, at codon 267 of the FOXI3 protein (p.Ser267Cys). This variant is present in population databases (no rsID available, gnomAD 0.002%). This variant has not been reported in the literature in individuals affected with FOXI3-related conditions. ClinVar contains an entry for this variant (Variation ID: 1523918). Experimental studies and prediction algorithms are not available or were not evaluated, and the functional significance of this variant is currently unknown. In summary, the available evidence is currently insufficient to determine the role of this variant in disease. Therefore, it has been classified as a Variant of Uncertain Significance.